The following is an entry in ClinVar:

NC_000008.10:g.(?_27317272)_(27336779_?)del

Gene: CHRNA2 (cholinergic receptor nicotinic alpha 2 subunit; minus strand). Cytogenetic location: 8p21.2.
Variant type: Deletion.
Identifiers: ClinVar variation 3769237 (VCV003769237.2).

ClinVar aggregate classification (germline): Uncertain significance (1 of 4 stars; one submission).

Submission:

Women's Health and Genetics/Laboratory Corporation of America, LabCorp
Classification: Uncertain significance. Last evaluated: 2025-01-07. Review status: criteria provided, single submitter. Criteria: LabCorp Variant Classification Summary - May 2015. Collection method: clinical testing. Allele origin: germline.
Comment: Variant summary: This deletion includes the entire coding sequence of the gene CHRNA2. As the exact proximal and distal breakpoints are unknown, it may extend beyond the annotated region of the gene to include other flanking genes. A presumed nomenclature of c.(?_-575)_(*1874_?)del has been designated for the purposes of this classification. Current evidence is not sufficient to establish loss of function as a mechanism for disease. The variant was absent in 21694 control chromosomes in the gnomAD database (Structural Variants v2.1 dataset). The available data on variant occurrences in the general population are insufficient to allow any conclusion about variant significance. To our knowledge, no occurrence of deletion of CHRNA2 in individuals affected with autosomal dominant nocturnal frontal lobe epilepsy 4 and no experimental evidence demonstrating its impact on protein function have been reported. No submitters have cited clinical-significance assessments for this variant to ClinVar. Based on the evidence outlined above, the variant was classified as uncertain significance.